The following is an entry in ClinVar:

ClinVar aggregate classification (germline): Uncertain significance (1 of 4 stars; one submission).

Conditions:
CHARGE syndrome (CHARGE). Also called: Hittner Hirsch Kreh syndrome; CHARGE ASSOCIATION--COLOBOMA, HEART ANOMALY, CHOANAL ATRESIA, RETARDATION, GENITAL AND EAR ANOMALIES; Coloboma, heart anomaly, choanal atresia, retardation, genital and ear anomalies; CHARGE association; Hall-Hittner syndrome. Identifiers: Orphanet 138, MedGen C0265354, MONDO:0008965.

Submission:

Labcorp Genetics (formerly Invitae), Labcorp
Classification: Uncertain significance for CHARGE syndrome. Last evaluated: 2024-12-23. Review status: criteria provided, single submitter. Criteria: Invitae Variant Classification Sherloc (09022015). Collection method: clinical testing. Allele origin: germline.
Comment: This sequence change replaces isoleucine, which is neutral and non-polar, with leucine, which is neutral and non-polar, at codon 93 of the SEMA3E protein (p.Ile93Leu). This variant is not present in population databases (gnomAD no frequency). This variant has not been reported in the literature in individuals affected with SEMA3E-related conditions. ClinVar contains an entry for this variant (Variation ID: 2703818). An algorithm developed to predict the effect of missense changes on protein structure and function (PolyPhen-2) suggests that this variant is likely to be tolerated. In summary, the available evidence is currently insufficient to determine the role of this variant in disease. Therefore, it has been classified as a Variant of Uncertain Significance.

NM_012431.3(SEMA3E):c.277A>T (p.Ile93Leu)

Gene: SEMA3E (semaphorin 3E; minus strand). Cytogenetic location: 7q21.11.
Variant type: single nucleotide variant.
Coding change: c.277A>T on transcript NM_012431.3 (MANE Select); coding-DNA position 277, A replaced by T.
Protein change: p.Ile93Leu; replaces isoleucine 93 with leucine.
Molecular consequence: missense variant.
Genome position (GRCh38, 1-based): chr7:83,469,302, T>A on the plus strand (A>T on the coding strand, the complement: SEMA3E is on the minus strand). VCF-style: chr7-83469302-T-A. GRCh37 (hg19) VCF-style: chr7-83098618-T-A.
Other names: c.97A>T, p.Ile33Leu (NM_001178129.2); short protein forms I93L, I33L.
Identifiers: ClinVar variation 2703818 (VCV002703818.3), dbSNP rs765750791, ClinGen allele CA367936208.